The following is an entry in ClinVar:

ClinVar aggregate classification (germline): Pathogenic. Review status: criteria provided, multiple submitters, no conflicts (2 of 4 stars). 2 submissions from 2 submitters: Pathogenic (2). Last evaluated 2023-05-04.

Conditions:
Hereditary cancer-predisposing syndrome. Also called: Neoplastic Syndromes, Hereditary; Tumor predisposition; Hereditary neoplastic syndrome; Hereditary Cancer Syndrome. Identifiers: Orphanet 140162, MedGen C0027672, MeSH D009386, MONDO:0015356.
Familial adenomatous polyposis 1 (FAP1). Also called: POLYPOSIS, ADENOMATOUS INTESTINAL; FAMILIAL ADENOMATOUS POLYPOSIS 1, ATTENUATED. Identifiers: MedGen C2713442, MONDO:0021056, OMIM 175100. Disease mechanism: loss of function.

Submissions (2):

Myriad Genetics, Inc.
Classification: Pathogenic for Familial adenomatous polyposis 1. Last evaluated: 2023-05-04. Review status: criteria provided, single submitter. Criteria: Myriad Autosomal Dominant, Autosomal Recessive and X-Linked Classification Criteria (2023). Collection method: clinical testing. Allele origin: unknown.
Comment: This variant is considered pathogenic. This variant creates a frameshift predicted to result in premature protein truncation.

Ambry Genetics
Classification: Pathogenic for Hereditary cancer-predisposing syndrome. Last evaluated: 2023-03-06. Review status: criteria provided, single submitter. Criteria: Ambry Variant Classification Scheme 2023. Collection method: clinical testing. Allele origin: germline.
Comment: The c.2486_2487delCA pathogenic mutation, located in coding exon 15 of the APC gene, results from a deletion of two nucleotides at nucleotide positions 2486 to 2487, causing a translational frameshift with a predicted alternate stop codon (p.T829Sfs*14). This alteration occurs at the 3' terminus of theAPC gene, is not expected to trigger nonsense-mediated mRNA decay, and impacts the last 2,015 amino acids of the protein. However, premature stop codons are typically deleterious in nature and a significant portion of the protein is affected (Ambry internal data). This alteration has been observed in at least one individual with a personal and/or family history that is consistent with familial adenomatous polyposis (FAP) (Ambry internal data) and was identified in 1/24 Chilean families with FAP (De la Fuente MK et al. Dis Colon Rectum, 2007 Dec;50:2142-8). This variant is considered to be rare based on population cohorts in the Genome Aggregation Database (gnomAD). Based on the supporting evidence, this alteration is interpreted as a disease-causing mutation.

Literature cited by the submitters: PubMed 17963004 (cited by Ambry Genetics).

NM_000038.6(APC):c.2486_2487del (p.Thr829fs)

Gene: APC (APC regulator of Wnt signaling pathway; plus strand). Cytogenetic location: 5q22.2.
Variant type: Deletion.
Coding change: c.2486_2487del on transcript NM_000038.6 (MANE Select); coding-DNA positions 2486 to 2487, 2 bases deleted (CA; older notation c.2486_2487delCA).
Protein change: p.Thr829fs; shifts the reading frame from threonine 829.
Molecular consequence: frameshift variant. On other transcripts: non-coding transcript variant (2).
Genome position (GRCh38, 1-based): chr5:112,838,080-112,838,081, CA deleted; deleting any 2 consecutive bases within chr5:112,838,079-112,838,081 gives the same sequence; the c. name uses the placement nearest the transcript's 3' end. VCF-style (leftmost placement, unchanged base first): chr5-112838078-TAC-T. GRCh37 (hg19) VCF-style: chr5-112173775-TAC-T.
Other names: c.2486_2487del, p.Thr829fs (NM_001127510.3, NM_001354895.2, NM_001407450.1); c.2432_2433del, p.Thr811fs (NM_001127511.3); c.2540_2541del, p.Thr847fs (NM_001354896.2, NM_001407447.1, NM_001407448.1 and 1 more transcripts); c.2516_2517del, p.Thr839fs (NM_001354897.2); c.2411_2412del, p.Thr804fs (NM_001354898.2); c.2402_2403del, p.Thr801fs (NM_001354899.2); c.2363_2364del, p.Thr788fs (NM_001354900.2); c.2309_2310del, p.Thr770fs (NM_001354901.2, NM_001407453.1); and 11 more; short protein forms T822fs, T839fs, T746fs, T801fs, T804fs, T819fs, T847fs, T669fs.
Identifiers: ClinVar variation 2452758 (VCV002452758.3), dbSNP rs2533425839, ClinGen allele CA645562843.